The following is an entry in ClinVar:

ClinVar aggregate classification (germline): Uncertain significance. Review status: criteria provided, multiple submitters, no conflicts (2 of 4 stars). 5 submissions from 5 submitters: Uncertain significance (5). Last evaluated 2024-11-14.

Conditions:
Senior-Loken syndrome 4 (SLSN4). Identifiers: Orphanet 3156, MedGen C1846979, MONDO:0011756, OMIM 606996.
Nephronophthisis 4 (NPHP4). Also called: NEPHRONOPHTHISIS 4, JUVENILE. Identifiers: Orphanet 655, MedGen C1847013, MONDO:0011752, OMIM 606966.
NPHP4-related disorder. Also called: NPHP4-related disorders; NPHP4-related condition. Identifiers: MedGen CN239384.
Nephronophthisis. Also called: Juvenile Nephronophthisis. Identifiers: Orphanet 655, MedGen C0687120, MONDO:0019005, HP:0000090.

Allele frequency attached by ClinVar (database versions not stated): gnomAD 0.00004 and 0.00006; gnomAD exomes 0.00004 and 0.00012; TOPMed 0.00006; ExAC 0.00011.
gnomAD v4.1: 73 of 1,608,220 alleles (0.0045%); highest among the groups gnomAD compares: East Asian, 0.022%; no homozygotes.

Submissions (5):

PreventionGenetics, part of Exact Sciences
Classification: Uncertain significance for NPHP4-related condition. Last evaluated: 2024-11-14. Review status: criteria provided, single submitter. Criteria: ACMG Guidelines, 2015. Collection method: clinical testing. Allele origin: germline.
Comment: The NPHP4 c.2869G>A variant is predicted to result in the amino acid substitution p.Ala957Thr. This variant has been reported in an individual with ebstein abnomaly (Supplemental Table 3, Ekure et al. 2021. PubMed ID: 33448881). This variant is reported in 0.021% of alleles in individuals of East Asian descent in gnomAD. At this time, the clinical significance of this variant is uncertain due to the absence of conclusive functional and genetic evidence.

Blueprint Genetics
Classification: Uncertain significance. Last evaluated: 2024-04-30. Review status: criteria provided, single submitter. Criteria: ACMG Guidelines, 2015. Collection method: clinical testing. Allele origin: germline.

Department of Pathology and Laboratory Medicine, Sinai Health System
Classification: Uncertain significance for Nephronophthisis 4; Senior-Loken syndrome 4. Last evaluated: 2022-11-14. Review status: criteria provided, single submitter. Criteria: ACMG Guidelines, 2015. Collection method: research. Allele origin: germline.

Labcorp Genetics (formerly Invitae), Labcorp
Classification: Uncertain significance for Nephronophthisis. Last evaluated: 2022-08-19. Review status: criteria provided, single submitter. Criteria: Invitae Variant Classification Sherloc (09022015). Collection method: clinical testing. Allele origin: germline.
Comment: This sequence change replaces alanine, which is neutral and non-polar, with threonine, which is neutral and polar, at codon 957 of the NPHP4 protein (p.Ala957Thr). This variant is present in population databases (rs772593921, gnomAD 0.02%). This variant has not been reported in the literature in individuals affected with NPHP4-related conditions. ClinVar contains an entry for this variant (Variation ID: 1055979). Algorithms developed to predict the effect of missense changes on protein structure and function are either unavailable or do not agree on the potential impact of this missense change (SIFT: "Deleterious"; PolyPhen-2: "Benign"; Align-GVGD: "Class C0"). In summary, the available evidence is currently insufficient to determine the role of this variant in disease. Therefore, it has been classified as a Variant of Uncertain Significance.

Fulgent Genetics
Classification: Uncertain significance for Nephronophthisis 4; Senior-Loken syndrome 4. Last evaluated: 2022-05-26. Review status: criteria provided, single submitter. Criteria: ACMG Guidelines, 2015. Collection method: clinical testing. Allele origin: unknown.

NM_015102.5(NPHP4):c.2869G>A (p.Ala957Thr)

Gene: NPHP4 (nephrocystin 4; minus strand). Cytogenetic location: 1p36.31.
Variant type: single nucleotide variant.
Coding change: c.2869G>A on transcript NM_015102.5 (MANE Select); coding-DNA position 2869, G replaced by A.
Protein change: p.Ala957Thr; replaces alanine 957 with threonine.
Molecular consequence: missense variant. On other transcripts: non-coding transcript variant (1).
Genome position (GRCh38, 1-based): chr1:5,875,049, C>T on the plus strand (G>A on the coding strand, the complement: NPHP4 is on the minus strand). VCF-style: chr1-5875049-C-T. GRCh37 (hg19) VCF-style: chr1-5935109-C-T.
Other names: c.1330G>A, p.Ala444Thr (NM_001291593.2); c.1333G>A, p.Ala445Thr (NM_001291594.2); c.2869G>A (NM_015102.4); short protein forms A444T, A445T, A957T.
Identifiers: ClinVar variation 1055979 (VCV001055979.8), dbSNP rs772593921, ClinGen allele CA553893.